The following is an entry in ClinVar:

ClinVar aggregate classification (germline): Pathogenic. Review status: criteria provided, multiple submitters, no conflicts (2 of 4 stars). 17 submissions from 17 submitters: Pathogenic (11). 6 of the submissions do not count toward it. Last evaluated 2026-08-04.

Conditions:
Arteriohepatic dysplasia. Also called: Alagille Syndrome. Identifiers: Orphanet 52, MedGen C0085280, MeSH D016738, MONDO:0007318.
Abnormal heart morphology. Also called: Abnormality of cardiac morphology; Heart, malformation of. Identifiers: MedGen C0018798, MeSH D006330, HP:0001627.
JAG1-related disorder. Also called: JAG1-related condition; JAG1-related disorders.
Tetralogy of Fallot (TOF). Identifiers: Orphanet 3303, MedGen C0039685, MONDO:0008542, OMIM 187500, HP:0001636.
Alagille syndrome due to a JAG1 point mutation. Also called: Alagille Syndrome 1; JAG1-Related Alagille Syndrome; HEPATIC DUCTULAR HYPOPLASIA, SYNDROMATIC. Identifiers: Orphanet 261619, Orphanet 52, MedGen C1956125, MONDO:0016862, OMIM 118450.

Submissions (17):

PreventionGenetics, part of Exact Sciences
Classification: Pathogenic for JAG1-related condition. Last evaluated: 2026-08-04. Review status: criteria provided, single submitter. Criteria: ACMG Guidelines, 2015. Collection method: clinical testing. Allele origin: germline.
Comment: The JAG1 c.2122_2125delCAGT variant is predicted to result in a frameshift and premature protein termination (p.Gln708Valfs*34). This variant has been reported to be causative for Alagille syndrome (Li et al 1997. PubMed ID: 9207788; Jurkiewicz et al. 2005. PubMed ID: 15712272; Qiao et al. 2021. PubMed ID: 33142350; de novo in Semenova et al. 2023. PubMed ID: 37511516). This variant has not been reported in a large population database (gnomAD), indicating this variant is rare, and it is classified as pathogenic in the ClinVar database (Variation ID: 177941). Frameshift variants in JAG1 are expected to be pathogenic. This variant is interpreted as pathogenic.

Labcorp Genetics (formerly Invitae), Labcorp
Classification: Pathogenic for Alagille syndrome due to a JAG1 point mutation. Last evaluated: 2025-02-15. Review status: criteria provided, single submitter. Criteria: Invitae Variant Classification Sherloc (09022015). Collection method: clinical testing. Allele origin: germline.
Comment: This sequence change creates a premature translational stop signal (p.Gln708Valfs*34) in the JAG1 gene. It is expected to result in an absent or disrupted protein product. Loss-of-function variants in JAG1 are known to be pathogenic (PMID: 11180599). This variant is not present in population databases (gnomAD no frequency). This premature translational stop signal has been observed in individuals with Alagille syndrome (PMID: 9207788, 12442286, 15712272, 22488849, 25676721). This variant is also known as c.2531_2534delCAGT. ClinVar contains an entry for this variant (Variation ID: 177941). For these reasons, this variant has been classified as Pathogenic.

Genomic Medicine Center of Excellence, King Faisal Specialist Hospital and Research Centre
Classification: Pathogenic for Alagille syndrome due to a JAG1 point mutation. Last evaluated: 2024-03-25. Review status: criteria provided, single submitter. Criteria: ACMG Guidelines, 2015. Collection method: clinical testing. Allele origin: germline.

GeneDx
Classification: Pathogenic. Last evaluated: 2024-02-07. Review status: criteria provided, single submitter. Criteria: GeneDx Variant Classification Process June 2021. Collection method: clinical testing. Allele origin: germline. Affected: yes.
Comment: Not observed at significant frequency in large population cohorts (gnomAD); Frameshift variant predicted to result in protein truncation or nonsense mediated decay in a gene for which loss-of-function is a known mechanism of disease; This variant is associated with the following publications: (PMID: 15712272, 10220506, 33142350, 24748328, 25676721, 12442286, 22488849, 9207788)

Institute of Human Genetics Munich, TUM University Hospital
Classification: Pathogenic for Alagille syndrome due to a JAG1 point mutation. Last evaluated: 2023-08-16. Review status: criteria provided, single submitter. Criteria: Classification criteria August 2017. Collection method: clinical testing. Allele origin: germline. Inheritance: Autosomal dominant inheritance. Affected: yes. Observed: 1 variant allele.

Blueprint Genetics
Classification: Pathogenic for JAG1-related disorders. Last evaluated: 2022-06-21. Review status: criteria provided, single submitter. Criteria: ACMG Guidelines, 2015. Collection method: clinical testing. Allele origin: germline. Affected: yes. Observed: 3 variant alleles.

Department of Human Genetics, Hannover Medical School
Classification: Pathogenic for Alagille syndrome due to a JAG1 point mutation. Last evaluated: 2022-01-12. Review status: criteria provided, single submitter. Criteria: ACMG Guidelines, 2015. Collection method: clinical testing. Allele origin: germline. Inheritance: Autosomal dominant inheritance. Affected: yes.

CeGaT Center for Human Genetics Tuebingen
Classification: Pathogenic. Last evaluated: 2021-02-01. Review status: criteria provided, single submitter. Criteria: CeGaT Center For Human Genetics Tuebingen Variant Classification Criteria Version 2. Collection method: clinical testing. Allele origin: germline. Affected: yes. Observed: 1 variant allele.

Centre for Mendelian Genomics, University Medical Centre Ljubljana
Classification: Pathogenic for Tetralogy of Fallot. Last evaluated: 2019-05-14. Review status: criteria provided, single submitter. Criteria: ACMG Guidelines, 2015. Collection method: clinical testing. Allele origin: unknown. Affected: yes.
Comment: This variant was classified as: Pathogenic. The following ACMG criteria were applied in classifying this variant: PVS1,PS1,PM2.

Eurofins Ntd Llc (ga)
Classification: Pathogenic. Last evaluated: 2017-04-05. Review status: criteria provided, single submitter. Criteria: EGL Classification Definitions 2015. Collection method: clinical testing. Allele origin: germline. Observed: 1 variant allele, 1 heterozygote.

Laboratory for Molecular Medicine, Mass General Brigham Personalized Medicine
Classification: Pathogenic for Congenital heart malformation; Arteriohepatic dysplasia. Last evaluated: 2011-03-09. Review status: criteria provided, single submitter. Criteria: LMM Criteria. Collection method: clinical testing. Allele origin: germline. Observed: 3 variant alleles.
Comment: The Gln708fs variant is predicted to cause a frameshift, which alters the protei n's amino acid sequence beginning at codon 708 and leads to a premature stop cod on 34 amino acids downstream. This alteration is then predicted to lead to a tru ncated or absent protein (loss of function). This variant has been reported in o ne child with Alagille syndrome as well as the mildly affected mother. Absence from 100 healthy control chromosomes supports a pathogenic role (Li 1997, varian t reported as 2531del4). In addition, it was reported as de novo in 5 additional , unrelated individuals with Alagille syndrome (Crosnier 1999 - variant reported as 2535-2538delCAGT). Loss of function is an established mechanism of disease f or the JAG1 gene and is typically associated with Alagille syndrome (GeneReviews ). In summary, the Gln708fs variant meets our criteria for pathogenicity and is highly likely to be causative for disease.

Istanbul Faculty of Medicine, Istanbul University
Classification: Pathogenic for Alagille syndrome due to a JAG1 point mutation. Last evaluated: 2022-11-01. Review status: no assertion criteria provided. Collection method: clinical testing. Allele origin: de novo. Affected: yes. Not counted in ClinVar's aggregate classification.

Sydney Genome Diagnostics, Children's Hospital Westmead
Classification: Pathogenic for Arteriohepatic dysplasia. Last evaluated: 2018-11-09. Review status: no assertion criteria provided. Collection method: clinical testing. Allele origin: unknown. Affected: yes. Observed: 1 variant allele, 1 heterozygote. Not counted in ClinVar's aggregate classification.
Comment: This frameshifting variant is predicted to create a premature stop codon p.(Gln708Valfs*34) and may result in a null allele due to nonsense-mediated mRNA decay. The variant has not been reported in any population databases (i.e. gnomAD, ExAC, ESP or dbSNP). This variant has been previously reported in multiple patients with with Alagille syndrome (Jurkiewicz et al Hum Mutat. 2005 Mar;25(3):321 and also see ClinVar) . This variant is considered to be a pathogenic according to the ACMG guidelines (evidence used: PVS1, PM2, PP5).

Laboratory of Molecular Genetics (Pr. Bezieau's lab), CHU de Nantes
Classification: Pathogenic. Last evaluated: 2017-08-17. Review status: no assertion criteria provided. Collection method: clinical testing. Allele origin: germline. Affected: yes. Not counted in ClinVar's aggregate classification.

Clinical Genetics DNA and cytogenetics Diagnostics Lab, Erasmus MC, Erasmus Medical Center
Classification: Pathogenic. Review status: no assertion criteria provided. Collection method: clinical testing. Allele origin: germline. Affected: yes. Study: VKGL Data-share Consensus. Not counted in ClinVar's aggregate classification.

Hong-Tao Li Lab, Institute of Brain Science and Brain-inspired Research, Shandong First Medical University & Shandong Academy of Medical Sciences China
Classification: Pathogenic for Alagille syndrome due to a JAG1 point mutation. Review status: no assertion criteria provided. Collection method: research. Allele origin: germline. Inheritance: Autosomal dominant inheritance. Affected: yes. Observed: 1 variant allele, 1 heterozygote. Not counted in ClinVar's aggregate classification.
Comment: Observed in affected individuals from a Pakistani neurodevelopmental-disorder research cohort of 263 individuals. Classification assigned using the ACMG/AMP framework.

Joint Genome Diagnostic Labs from Nijmegen and Maastricht, Radboudumc and MUMC+
Classification: Pathogenic. Review status: no assertion criteria provided. Collection method: clinical testing. Allele origin: germline. Affected: yes. Study: VKGL Data-share Consensus. Not counted in ClinVar's aggregate classification.

Literature cited by the submitters: PubMed 11180599 (cited by Labcorp Genetics (formerly Invitae), Labcorp); PubMed 9207788 (cited by Labcorp Genetics (formerly Invitae), Labcorp and Laboratory for Molecular Medicine, Mass General Brigham Personalized Medicine); PubMed 12442286 (cited by Labcorp Genetics (formerly Invitae), Labcorp and Laboratory for Molecular Medicine, Mass General Brigham Personalized Medicine); PubMed 15712272 (cited by Labcorp Genetics (formerly Invitae), Labcorp and Laboratory for Molecular Medicine, Mass General Brigham Personalized Medicine); PubMed 22488849 (cited by Labcorp Genetics (formerly Invitae), Labcorp); PubMed 25676721 (cited by Labcorp Genetics (formerly Invitae), Labcorp); PubMed 10220506 (cited by Laboratory for Molecular Medicine, Mass General Brigham Personalized Medicine).

NM_000214.3(JAG1):c.2122_2125del (p.Gln708fs)

Gene: JAG1 (jagged canonical Notch ligand 1; minus strand). Cytogenetic location: 20p12.2.
Variant type: Microsatellite.
Coding change: c.2122_2125del on transcript NM_000214.3 (MANE Select); coding-DNA positions 2122 to 2125, 4 bases deleted (CAGT; older notation c.2122_2125delCAGT).
Protein change: p.Gln708fs; shifts the reading frame from glutamine 708.
Molecular consequence: frameshift variant.
Genome position (GRCh38, 1-based): chr20:10,645,245-10,645,248, ACTG deleted on the plus strand (CAGT on the coding strand, the reverse complement: JAG1 is on the minus strand); deleting any 4 consecutive bases within chr20:10,645,245-10,645,252 gives the same sequence; the c. name uses the placement nearest the transcript's 3' end. VCF-style (leftmost placement, unchanged base first): chr20-10645244-CACTG-C. GRCh37 (hg19) VCF-style: chr20-10625892-CACTG-C.
Other names: short protein forms Q708fs.
Identifiers: ClinVar variation 177941 (VCV000177941.78), dbSNP rs727504412, ClinGen allele CA273530.